The following is an entry in ClinVar:

NM_025215.6(PUS1):c.1077G>T (p.Ala359=)

Gene: PUS1 (pseudouridine synthase 1; plus strand). Cytogenetic location: 12q24.33.
Variant type: single nucleotide variant.
Coding change: c.1077G>T on transcript NM_025215.6 (MANE Select); coding-DNA position 1077, G replaced by T.
Protein change: p.Ala359=; no amino-acid change (alanine 359 retained).
Molecular consequence: synonymous variant.
Genome position (GRCh38, 1-based): chr12:131,941,824, G>T. VCF-style: chr12-131941824-G-T. GRCh37 (hg19) VCF-style: chr12-132426369-G-T.
Other names: c.993G>T, p.Ala331= (NM_001002019.3, NM_001002020.3).
Identifiers: ClinVar variation 1530832 (VCV001530832.9), dbSNP rs143053373, ClinGen allele CA6884314.

ClinVar aggregate classification (germline): Likely benign. Review status: criteria provided, multiple submitters, no conflicts (2 of 4 stars). 2 submissions from 2 submitters: Likely benign (2). Last evaluated 2026-08-01.

Allele frequency attached by ClinVar (database versions not stated): ESP Exome Variant Server 0.00008.
gnomAD v4.1: 3 of 1,613,872 alleles (0.00019%); highest among the groups gnomAD compares: Admixed American, 0.0017%; no homozygotes.

Submissions (2):

CeGaT Center for Human Genetics Tuebingen
Classification: Likely benign. Last evaluated: 2026-08-01. Review status: criteria provided, single submitter. Criteria: CeGaT Center For Human Genetics Tuebingen Variant Classification Criteria Version 2. Collection method: clinical testing. Allele origin: germline. Affected: yes. Observed: 1 variant allele.
Comment: PUS1: BP4, BP7

Labcorp Genetics (formerly Invitae), Labcorp
Classification: Likely benign. Last evaluated: 2023-09-09. Review status: criteria provided, single submitter. Criteria: Invitae Variant Classification Sherloc (09022015). Collection method: clinical testing. Allele origin: germline.